The following is an entry in ClinVar:

ClinVar aggregate classification (germline): Uncertain significance (1 of 4 stars; one submission).

Submission:

Labcorp Genetics (formerly Invitae), Labcorp
Classification: Uncertain significance. Last evaluated: 2022-02-04. Review status: criteria provided, single submitter. Criteria: Invitae Variant Classification Sherloc (09022015). Collection method: clinical testing. Allele origin: germline.
Comment: In summary, the available evidence is currently insufficient to determine the role of this variant in disease. Therefore, it has been classified as a Variant of Uncertain Significance. Experimental studies and prediction algorithms are not available or were not evaluated, and the functional significance of this variant is currently unknown. This variant has not been reported in the literature in individuals affected with DIABLO-related conditions. Information on the frequency of this variant in the gnomAD database is not available, as this variant may be reported differently in the database. This variant, c.699_700delinsCT, is a complex sequence change that results in the deletion of 2 and insertion of 2 amino acid(s) in the DIABLO protein (p.Glu233_Ala234delinsAspSer).

NM_001371333.1(DIABLO):c.699_700delinsCT (p.Glu233_Ala234delinsAspSer)

Genes: B3GNT4 (UDP-GlcNAc:betaGal beta-1,3-N-acetylglucosaminyltransferase 4; plus strand), DIABLO (diablo IAP-binding mitochondrial protein; minus strand). Cytogenetic location: 12q24.31.
Variant type: Indel.
Coding change: c.699_700delinsCT on transcript NM_001371333.1 (MANE Select); coding-DNA positions 699 to 700, GG replaced by CT.
Protein change: p.Glu233_Ala234delinsAspSer.
Molecular consequence: missense variant. On other transcripts: 3 prime UTR variant (2).
Genome position (GRCh38, 1-based): chr12:122,208,401-122,208,402, CC replaced by AG on the plus strand (GG replaced by CT on the coding strand, the reverse complement: DIABLO is on the minus strand). VCF-style: chr12-122208401-CC-AG. GRCh37 (hg19) VCF-style: chr12-122692948-CC-AG.
Other names: c.408_409delinsCT, p.Glu136_Ala137delinsAspSer (NM_001278302.1); c.480_481delinsCT, p.Glu160_Ala161delinsAspSer (NM_001278303.1); c.540_541delinsCT, p.Glu180_Ala181delinsAspSer (NM_001278304.2, NM_138930.3); c.567_568delinsCT, p.Glu189_Ala190delinsAspSer (NM_001278342.1); c.699_700delinsCT, p.Glu233_Ala234delinsAspSer (NM_019887.6); c.*1013_*1014delinsAG (NM_001330492.2, NM_030765.4).
Identifiers: ClinVar variation 2176829 (VCV002176829.4), dbSNP rs2547123548, ClinGen allele CA2580085964.